The following is an entry in ClinVar:

ClinVar aggregate classification (germline): Uncertain significance (1 of 4 stars; one submission).

Submission:

GeneDx
Classification: Uncertain significance. Last evaluated: 2023-11-07. Review status: criteria provided, single submitter. Criteria: GeneDx Variant Classification Process June 2021. Collection method: clinical testing. Allele origin: germline. Affected: yes.
Comment: Not observed at significant frequency in large population cohorts (gnomAD); In silico analysis supports that this missense variant has a deleterious effect on protein structure/function; Has not been previously published as pathogenic or benign to our knowledge

NM_004415.4(DSP):c.8183A>T (p.Glu2728Val)

Gene: DSP (desmoplakin; plus strand). Cytogenetic location: 6p24.3.
Variant type: single nucleotide variant.
Coding change: c.8183A>T on transcript NM_004415.4 (MANE Select); coding-DNA position 8183, A replaced by T.
Protein change: p.Glu2728Val; replaces glutamic acid 2728 with valine.
Molecular consequence: missense variant.
Genome position (GRCh38, 1-based): chr6:7,585,445, A>T. VCF-style: chr6-7585445-A-T. GRCh37 (hg19) VCF-style: chr6-7585678-A-T.
Other names: c.6386A>T, p.Glu2129Val (NM_001008844.3); c.6854A>T, p.Glu2285Val (NM_001319034.2); short protein forms E2129V, E2285V, E2728V.
Identifiers: ClinVar variation 3363928 (VCV003363928.1).
Genomic context (GRCh38, chr6:7,585,445, plus strand): 5'-CAGCAGCAGAGGCAGTGAAAGAAAAATGGCTCCCGTATGAGGCTGGCCAGCGCTTCCTGG[A>T]GTTCCAGTACCTCACGGGAGGTCTTGTTGACCCGGAAGTGCATGGGAGGATAAGCACCGA-3'
Protein context (NP_004406.2, residues 2718-2738): LPYEAGQRFL[Glu2728Val]FQYLTGGLVD